The following is an entry in ClinVar:

ClinVar aggregate classification (germline): Conflicting classifications of pathogenicity. Review status: criteria provided, conflicting classifications (1 of 4 stars). 2 submissions from 2 submitters: Uncertain significance (1); Benign (1). Last evaluated 2026-01-12.

Conditions:
Kabuki syndrome. Also called: Kabuki make-up syndrome; NIIKAWA-KUROKI SYNDROME. Identifiers: Orphanet 2322, MedGen C0796004, MONDO:0016512.
KMT2D-related disorder. Also called: KMT2D-Related Disorders.

Allele frequency attached by ClinVar (database versions not stated): gnomAD 0.00001; TOPMed 0.00002.
gnomAD v4.1: 5 of 1,612,816 alleles (0.00031%); highest among the groups gnomAD compares: Admixed American, 0.0033%; no homozygotes.

Submissions (2):

PreventionGenetics, part of Exact Sciences
Classification: Uncertain significance for KMT2D-related condition. Last evaluated: 2026-01-12. Review status: criteria provided, single submitter. Criteria: ACMG Guidelines, 2015. Collection method: clinical testing. Allele origin: germline.
Comment: The KMT2D c.3097G>A variant is predicted to result in the amino acid substitution p.Val1033Ile. To our knowledge, this variant has not been reported in the literature. This variant is reported in 0.0028% of alleles in individuals of Latino descent in gnomAD. At this time, the clinical significance of this variant is uncertain due to the absence of conclusive functional and genetic evidence.

Labcorp Genetics (formerly Invitae), Labcorp
Classification: Benign for Kabuki syndrome. Last evaluated: 2025-03-04. Review status: criteria provided, single submitter. Criteria: Invitae Variant Classification Sherloc (09022015). Collection method: clinical testing. Allele origin: germline.

NM_003482.4(KMT2D):c.3097G>A (p.Val1033Ile)

Gene: KMT2D (lysine methyltransferase 2D; minus strand). Cytogenetic location: 12q13.12.
Variant type: single nucleotide variant.
Coding change: c.3097G>A on transcript NM_003482.4 (MANE Select); coding-DNA position 3097, G replaced by A.
Protein change: p.Val1033Ile; replaces valine 1033 with isoleucine.
Molecular consequence: missense variant.
Genome position (GRCh38, 1-based): chr12:49,050,491, C>T on the plus strand (G>A on the coding strand, the complement: KMT2D is on the minus strand). VCF-style: chr12-49050491-C-T. GRCh37 (hg19) VCF-style: chr12-49444274-C-T.
Other names: short protein forms V1033I.
Identifiers: ClinVar variation 2082043 (VCV002082043.5), dbSNP rs1382796110, ClinGen allele CA384659408.